The following is an entry in ClinVar:

NM_182914.3(SYNE2):c.14153G>C (p.Ser4718Thr)

Gene: SYNE2 (spectrin repeat containing nuclear envelope protein 2; plus strand). Cytogenetic location: 14q23.2.
Variant type: single nucleotide variant.
Coding change: c.14153G>C on transcript NM_182914.3 (MANE Select); coding-DNA position 14153, G replaced by C.
Protein change: p.Ser4718Thr; replaces serine 4718 with threonine.
Molecular consequence: missense variant.
Genome position (GRCh38, 1-based): chr14:64,130,061, G>C. VCF-style: chr14-64130061-G-C. GRCh37 (hg19) VCF-style: chr14-64596779-G-C.
Other names: c.14153G>C, p.Ser4718Thr (NM_015180.6); c.14153G>C (NM_182914.2); short protein forms S4718T.
Identifiers: ClinVar variation 1567879 (VCV001567879.10), dbSNP rs374716181, ClinGen allele CA7222703.

ClinVar aggregate classification (germline): Conflicting classifications of pathogenicity. Review status: criteria provided, conflicting classifications (1 of 4 stars). 3 submissions from 3 submitters: Uncertain significance (1); Likely benign (2). Last evaluated 2026-07-01.

Conditions:
Emery-Dreifuss muscular dystrophy 5, autosomal dominant (EDMD5). Also called: EMERY-DREIFUSS MUSCULAR DYSTROPHY 5. Identifiers: Orphanet 261, MedGen C2751805, MONDO:0013072, OMIM 612999.

Allele frequency attached by ClinVar (database versions not stated): TOPMed 0.00001; gnomAD 0.00005; 1000 Genomes Project 30x 0.00031; 1000 Genomes Project 0.00040.
gnomAD v4.1: 168 of 1,613,886 alleles (0.01%); highest among the groups gnomAD compares: South Asian, 0.17%; 1 homozygote.

Submissions (3):

CeGaT Center for Human Genetics Tuebingen
Classification: Likely benign. Last evaluated: 2026-07-01. Review status: criteria provided, single submitter. Criteria: CeGaT Center For Human Genetics Tuebingen Variant Classification Criteria Version 2. Collection method: clinical testing. Allele origin: germline. Affected: yes. Observed: 1 variant allele.
Comment: SYNE2: BP4

Ambry Genetics
Classification: Uncertain significance. Last evaluated: 2025-10-07. Review status: criteria provided, single submitter. Criteria: Ambry Variant Classification Scheme 2023. Collection method: clinical testing. Allele origin: germline.

Labcorp Genetics (formerly Invitae), Labcorp
Classification: Likely benign for Emery-Dreifuss muscular dystrophy 5, autosomal dominant. Last evaluated: 2025-09-16. Review status: criteria provided, single submitter. Criteria: Invitae Variant Classification Sherloc (09022015). Collection method: clinical testing. Allele origin: germline.